The following is an entry in ClinVar:

ClinVar aggregate classification (germline): Uncertain significance (1 of 4 stars; one submission).

Conditions:
Primary ciliary dyskinesia. Also called: Ciliary dyskinesia. Identifiers: Orphanet 244, MedGen C0008780, MONDO:0016575, HP:0012265.

gnomAD v4.1: 1 of 1,614,166 alleles (0.000062%); highest among the groups gnomAD compares: Admixed American, 0.0017%; no homozygotes.

Submission:

Ambry Genetics
Classification: Uncertain significance for Primary ciliary dyskinesia. Last evaluated: 2025-05-05. Review status: criteria provided, single submitter. Criteria: Ambry Variant Classification Scheme 2023. Collection method: clinical testing. Allele origin: germline.
Comment: The p.D3762G variant (also known as c.11285A>G), located in coding exon 66 of the DNAH5 gene, results from an A to G substitution at nucleotide position 11285. The aspartic acid at codon 3762 is replaced by glycine, an amino acid with similar properties. This amino acid position is conserved. In addition, the in silico prediction for this alteration is inconclusive. Based on the available evidence, the clinical significance of this variant remains unclear.

NM_001369.3(DNAH5):c.11285A>G (p.Asp3762Gly)

Genes: DNAH5 (dynein axonemal heavy chain 5; minus strand), LOC107457585 (meiotic recombination hotspot J; plus strand). Cytogenetic location: 5p15.2.
Variant type: single nucleotide variant.
Coding change: c.11285A>G on transcript NM_001369.3 (MANE Select); coding-DNA position 11285, A replaced by G.
Protein change: p.Asp3762Gly; replaces aspartic acid 3762 with glycine.
Molecular consequence: missense variant.
Genome position (GRCh38, 1-based): chr5:13,737,422, T>C on the plus strand (A>G on the coding strand, the complement: DNAH5 is on the minus strand). VCF-style: chr5-13737422-T-C. GRCh37 (hg19) VCF-style: chr5-13737531-T-C.
Other names: short protein forms D3762G.
Identifiers: ClinVar variation 4013103 (VCV004013103.1).